The following is an entry in ClinVar:

NM_001267550.2(TTN):c.72826dup (p.Thr24276fs)

Genes: TTN (titin; minus strand), TTN-AS1 (TTN antisense RNA 1; plus strand). Cytogenetic location: 2q31.2.
Variant type: Duplication.
Coding change: c.72826dup on transcript NM_001267550.2 (MANE Select); coding-DNA position 72826, one base duplicated (A; older notation c.72826dupA).
Protein change: p.Thr24276fs; shifts the reading frame from threonine 24276.
Molecular consequence: frameshift variant.
Genome position (GRCh38, 1-based): chr2:178,573,306, T duplicated on the plus strand (A on the coding strand, the reverse complement: TTN is on the minus strand); the first of 7 consecutive T bases (chr2:178,573,306-178,573,312); duplicating any one gives the same sequence. VCF-style (leftmost placement, unchanged base first): chr2-178573305-G-GT. GRCh37 (hg19) VCF-style: chr2-179438032-G-GT.
Other names: c.67903dup, p.Thr22635fs (NM_001256850.1); c.45631dup, p.Thr15211fs (NM_003319.4); c.65122dup, p.Thr21708fs (NM_133378.4); c.46006dup, p.Thr15336fs (NM_133432.3); c.46207dup, p.Thr15403fs (NM_133437.4); c.72826dupA (NM_001267550.2); c.72826dup (NM_001267550.1); c.45631dupA (NM_003319.4); short protein forms T24276fs, T15211fs, T21708fs, T15336fs, T15403fs, T22635fs.
Identifiers: ClinVar variation 466656 (VCV000466656.17), dbSNP rs971618751, ClinGen allele CA60999791.
Genomic context (GRCh38, chr2:178,573,305, plus strand): 5'-CTGAACTCATATTCATGTCCTTCTGTCAGTCCAGACACTTTATATCTTAAATCAGTAAGA[G>GT]TTTTTTTGTTGCATTTAATCCAGCGTTGGCCAGCTTTATCACGCCGTTCCACAATATAAT-3'

ClinVar aggregate classification (germline): Pathogenic/Likely pathogenic. Review status: criteria provided, multiple submitters, no conflicts (2 of 4 stars). 5 submissions from 5 submitters: Pathogenic (3); Likely pathogenic (2). Last evaluated 2025-09-27.

Conditions:
TTN-related disorder. Also called: TTN-related condition; TTN-related disease; TTN-related disorders.
Autosomal recessive limb-girdle muscular dystrophy type 2J (LGMDR10). Also called: Limb-girdle muscular dystrophy, type 2J; MUSCULAR DYSTROPHY, LIMB-GIRDLE, AUTOSOMAL RECESSIVE 10. Identifiers: Orphanet 140922, MedGen C1837342, MONDO:0012127, OMIM 608807.
Dilated cardiomyopathy 1G (CMD1G). Identifiers: Orphanet 154, MedGen C1858763, MONDO:0011400, OMIM 604145.
Cardiovascular phenotype. Identifiers: MedGen CN230736.
Primary dilated cardiomyopathy (DCM). Also called: Dilated Cardiomyopathy. Identifiers: Orphanet 217604, MedGen C0007193, MeSH D002311, MONDO:0005021, HP:0001644. Inheritance: Various modes of inheritance.

Submissions (5):

Labcorp Genetics (formerly Invitae), Labcorp
Classification: Pathogenic for Dilated cardiomyopathy 1G; Autosomal recessive limb-girdle muscular dystrophy type 2J. Last evaluated: 2025-09-27. Review status: criteria provided, single submitter. Criteria: Invitae Variant Classification Sherloc (09022015). Collection method: clinical testing. Allele origin: germline.
Comment: This sequence change creates a premature translational stop signal (p.Thr24276Asnfs*4) in the TTN gene. While this is not anticipated to result in nonsense mediated decay, it is expected to create a truncated TTN protein. This variant is not present in population databases (gnomAD no frequency). This premature translational stop signal has been observed in individuals with peripartum cardiomyopathy or dilated cardiomyopathy (PMID: 33874732; internal data). ClinVar contains an entry for this variant (Variation ID: 466656). This variant is located in the A band of TTN (PMID: 25589632). Truncating variants in this region are significantly overrepresented in patients affected with dilated cardiomyopathy (PMID: 25589632). Truncating variants in this region have also been reported in individuals affected with autosomal recessive centronuclear myopathy (PMID: 23975875). For these reasons, this variant has been classified as Pathogenic.

GeneDx
Classification: Pathogenic. Last evaluated: 2025-03-18. Review status: criteria provided, single submitter. Criteria: GeneDx Variant Classification Process June 2021. Collection method: clinical testing. Allele origin: germline. Affected: yes.
Comment: Not observed at significant frequency in large population cohorts (gnomAD); Located in the A-band, a region of TTN for which truncating variants are significantly associated with autosomal dominant cardiomyopathy and also with autosomal recessive skeletal myopathies (PMID: 22335739, 32778822); Frameshift variant predicted to result in protein truncation or nonsense mediated decay in a gene for which loss of function is a known mechanism of disease; This variant is associated with the following publications: (PMID: 35177841, 33874732, 22335739, 32778822)

Illumina Laboratory Services, Illumina
Classification: Likely pathogenic for Primary dilated cardiomyopathy. Last evaluated: 2024-03-12. Review status: criteria provided, single submitter. Criteria: ICSLVariantClassificationCriteria RUGD 01 April 2020. Collection method: clinical testing. Allele origin: unknown.
Comment: The TTN c.72826dup p.(Thr24276AsnfsTer4) variant causes a shift in the protein reading frame that is predicted to result in premature termination of the protein. Loss of normal protein function through either protein truncation or nonsense-mediated mRNA decay is expected. This variant is located in exon 326 of the meta transcript of titin within the A-band, which is highly expressed in cardiac tissue (PMID: 25589632). In a meta-analysis of TTN truncating variants in DCM patients and controls, variants in this region were associated with a significantly increased risk of developing DCM (odds ratio 49.8) (PMID 27869827). This variant is not observed at a significant frequency in version 2.1.1 or version 4.0.0 of the Genome Aggregation Database. Based on the available evidence, the c.72826dup p.(Thr24276AsnfsTer4) variant is classified as likely pathogenic for dilated cardiomyopathy.

PreventionGenetics, part of Exact Sciences
Classification: Likely pathogenic for TTN-related condition. Last evaluated: 2022-11-07. Review status: criteria provided, single submitter. Criteria: ACMG Guidelines, 2015. Collection method: clinical testing. Allele origin: germline.
Comment: The TTN c.72826dupA variant is predicted to result in a frameshift and premature protein termination (p.Thr24276Asnfs*4). This variant was reported in a large cohort study of women with peripartum cardiomyopathy (Supp. Table 2 in Goli. 2021. PubMed ID: 33874732). This variant was also reported in a large cohort study on cardiometabolic disease and was reported in one case of atrial fibrillation (Supp. Table 6, Jurgens. 2022. PubMed ID: 35177841). Many other truncating variants in this exon have been reported in individuals with cardiomyopathy (Roberts AM et al 2015. PubMed ID: 25589632). The c.72826dupA variant is located in the A-band region of the TTN protein and several other truncating variants in this exon have previously been reported to be pathogenic for recessive and dominant TTN-related disorders including dilated cardiomyopathy, centronuclear myopathy, and muscular dystrophy (Human Gene Mutation Database). RNAseq studies from heart tissue indicate this exon is commonly included in TTN mRNA transcripts (PSI of 100%); however, this analysis in muscle tissue was not performed (Roberts A.M. et al. 2015. PMID: 25589632). TTN truncating variants are reported in 1-2% of presumably healthy individuals and occur more frequently in exons with low PSI values, indicating this variant is more likely to be disease causing (Roberts A.M. et al. 2015. PMID: 25589632; Herman D.S. et al. 2012. PMID: 22335739). The c.72826dupA variant has not been reported in a large population database, indicating this variant is rare. In summary, the c.72826dupA variant is categorized as likely pathogenic for TTN-related disorders.

Ambry Genetics
Classification: Pathogenic for Cardiovascular phenotype. Last evaluated: 2022-05-06. Review status: criteria provided, single submitter. Criteria: Ambry Variant Classification Scheme 2023. Collection method: clinical testing. Allele origin: germline.
Comment: The c.45631dupA pathogenic mutation, located in coding exon 153 of the TTN gene, results from a duplication of A at nucleotide position 45631, causing a translational frameshift with a predicted alternate stop codon (p.T15211Nfs*4). This exon is located in the A-band region of the N2-B isoform of the titin protein and is constitutively expressed in TTN transcripts (percent spliced in or PSI 100%). This variant (also referred to as c.72826dupA, p.Thr24276Asnfs*4) has been detected in individuals reported to have peripartum cardiomyopathy and dilated cardiomyopathy (Goli R et al. Circulation. 2021 05;143(19):1852-1862; Ambry internal data). This variant is considered to be rare based on population cohorts in the Genome Aggregation Database (gnomAD). This alteration is expected to result in loss of function by premature protein truncation or nonsense-mediated mRNA decay. While truncating variants in TTN are present in 1-3% of the general population, truncating variants in the A-band are the most common cause of dilated cardiomyopathy (DCM) (Herman DS et al. N. Engl. J. Med., 2012 Feb;366:619-28; Roberts AM et al. Sci Transl Med, 2015 Jan;7:270ra6). TTN truncating variants encoded in constitutive exons (PSI >90%) have been found to be significantly associated with DCM regardless of their position in titin (Schafer S et al. Nat. Genet., 2017 01;49:46-53). Based on the supporting evidence, this alteration is interpreted as a disease-causing mutation.

Literature cited by the submitters: PubMed 33874732 (cited by Labcorp Genetics (formerly Invitae), Labcorp and Ambry Genetics); PubMed 25589632 (cited by Labcorp Genetics (formerly Invitae), Labcorp and Illumina Laboratory Services, Illumina); PubMed 23975875 (cited by Labcorp Genetics (formerly Invitae), Labcorp); PubMed 27869827 (cited by Illumina Laboratory Services, Illumina); PubMed 33432171 (cited by Ambry Genetics).